The following is an entry in ClinVar:

NM_001278512.2(AP3B2):c.641T>A (p.Ile214Asn)

Genes: AP3B2 (adaptor related protein complex 3 subunit beta 2; minus strand), CPEB1-AS1 (CPEB1 antisense RNA 1; plus strand). Cytogenetic location: 15q25.2.
Variant type: single nucleotide variant.
Coding change: c.641T>A on transcript NM_001278512.2 (MANE Select); coding-DNA position 641, T replaced by A.
Protein change: p.Ile214Asn; replaces isoleucine 214 with asparagine.
Molecular consequence: missense variant.
Genome position (GRCh38, 1-based): chr15:82,680,967, A>T on the plus strand (T>A on the coding strand, the complement: AP3B2 is on the minus strand). VCF-style: chr15-82680967-A-T. GRCh37 (hg19) VCF-style: chr15-83349719-A-T.
Other names: c.545T>A, p.Ile182Asn (NM_001278511.2); c.641T>A, p.Ile214Asn (NM_004644.5); short protein forms I214N, I182N.
Identifiers: ClinVar variation 2001284 (VCV002001284.4), dbSNP rs1189258557, ClinGen allele CA393296049.
Genomic context (GRCh38, chr15:82,680,967, plus strand): 5'-CACTCCTCCACGTCGATCAGCAGGTTACAGAGTTTCCGGTAGTTTTTGTGAATCAGGTCG[A>T]TGCGCTCCGGGCAGACCTCCTCAAAGGCCATCACCACACTGCCCGCCACCAGCTGGGGAA-3'
Protein context (NP_001265441.1, residues 204-224): MAFEEVCPER[Ile214Asn]DLIHKNYRKL

ClinVar aggregate classification (germline): Uncertain significance (1 of 4 stars; one submission).

Submission:

Labcorp Genetics (formerly Invitae), Labcorp
Classification: Uncertain significance. Last evaluated: 2025-02-24. Review status: criteria provided, single submitter. Criteria: Invitae Variant Classification Sherloc (09022015). Collection method: clinical testing. Allele origin: germline.
Comment: This sequence change replaces isoleucine, which is neutral and non-polar, with asparagine, which is neutral and polar, at codon 214 of the AP3B2 protein (p.Ile214Asn). This variant is not present in population databases (gnomAD no frequency). This variant has not been reported in the literature in individuals affected with AP3B2-related conditions. ClinVar contains an entry for this variant (Variation ID: 2001284). An algorithm developed to predict the effect of missense changes on protein structure and function (PolyPhen-2) suggests that this variant is likely to be tolerated. In summary, the available evidence is currently insufficient to determine the role of this variant in disease. Therefore, it has been classified as a Variant of Uncertain Significance.